The following is an entry in ClinVar:

NM_001197104.2(KMT2A):c.7028C>A (p.Ser2343Tyr)

Gene: KMT2A (lysine methyltransferase 2A; plus strand). Cytogenetic location: 11q23.3.
Variant type: single nucleotide variant.
Coding change: c.7028C>A on transcript NM_001197104.2 (MANE Select); coding-DNA position 7028, C replaced by A.
Protein change: p.Ser2343Tyr; replaces serine 2343 with tyrosine.
Molecular consequence: missense variant.
Genome position (GRCh38, 1-based): chr11:118,502,920, C>A. VCF-style: chr11-118502920-C-A. GRCh37 (hg19) VCF-style: chr11-118373635-C-A.
Other names: c.7118C>A, p.Ser2373Tyr (NM_001412597.1); c.7019C>A, p.Ser2340Tyr (NM_005933.4); short protein forms S2340Y, S2343Y, S2373Y.
Identifiers: ClinVar variation 2712141 (VCV002712141.3), dbSNP rs1950523652, ClinGen allele CA382804036.
Genomic context (GRCh38, chr11:118,502,920, plus strand): 5'-CACATAATGTGGCTTACCCTGGAATTCCTAAACTGGCCCCACAGGTTCATAACACAACAT[C>A]TAGAGAACTGAATGTTAGTAAAATCGGCTCCTTTGCTGAACCCTCTTCAGTGTCGTTTTC-3'
Protein context (NP_001184033.1, residues 2333-2353): KLAPQVHNTT[Ser2343Tyr]RELNVSKIGS

ClinVar aggregate classification (germline): Uncertain significance (1 of 4 stars; one submission).

Submission:

Labcorp Genetics (formerly Invitae), Labcorp
Classification: Uncertain significance. Last evaluated: 2024-04-15. Review status: criteria provided, single submitter. Criteria: Invitae Variant Classification Sherloc (09022015). Collection method: clinical testing. Allele origin: germline.
Comment: This sequence change replaces serine, which is neutral and polar, with tyrosine, which is neutral and polar, at codon 2343 of the KMT2A protein (p.Ser2343Tyr). This variant is not present in population databases (gnomAD no frequency). This variant has not been reported in the literature in individuals affected with KMT2A-related conditions. Advanced modeling of protein sequence and biophysical properties (such as structural, functional, and spatial information, amino acid conservation, physicochemical variation, residue mobility, and thermodynamic stability) performed at Invitae indicates that this missense variant is not expected to disrupt KMT2A protein function with a negative predictive value of 95%. In summary, the available evidence is currently insufficient to determine the role of this variant in disease. Therefore, it has been classified as a Variant of Uncertain Significance.